The following is an entry in ClinVar:

NM_004960.4(FUS):c.1130G>T (p.Arg377Leu)

Gene: FUS (FUS RNA binding protein; plus strand). Cytogenetic location: 16p11.2.
Variant type: single nucleotide variant.
Coding change: c.1130G>T on transcript NM_004960.4 (MANE Select); coding-DNA position 1130, G replaced by T.
Protein change: p.Arg377Leu; replaces arginine 377 with leucine.
Molecular consequence: missense variant. On other transcripts: non-coding transcript variant (1).
Genome position (GRCh38, 1-based): chr16:31,190,103, G>T. VCF-style: chr16-31190103-G-T. GRCh37 (hg19) VCF-style: chr16-31201424-G-T.
Other names: c.1127G>T, p.Arg376Leu (NM_001170634.1); c.1118G>T, p.Arg373Leu (NM_001170937.1); short protein forms R373L, R376L, R377L.
Identifiers: ClinVar variation 2428860 (VCV002428860.3), dbSNP rs1269972112, ClinGen allele CA395674362.

ClinVar aggregate classification (germline): Uncertain significance (1 of 4 stars; one submission).

Submission:

GeneDx
Classification: Uncertain significance. Last evaluated: 2022-06-29. Review status: criteria provided, single submitter. Criteria: GeneDx Variant Classification Process June 2021. Collection method: clinical testing. Allele origin: germline. Affected: yes.
Comment: Not observed at significant frequency in large population cohorts (gnomAD); In silico analysis supports that this missense variant has a deleterious effect on protein structure/function; Has not been previously published as pathogenic or benign to our knowledge